The following is an entry in ClinVar:

ClinVar aggregate classification (germline): Pathogenic. Review status: criteria provided, single submitter (1 of 4 stars). 2 submissions from 2 submitters: Pathogenic (1). 1 of the submissions does not count toward it. Last evaluated 2022-11-01.

Conditions:
Spinocerebellar ataxia 27A. Also called: VESTIBULOCEREBELLAR DISORDER WITH PREDOMINANT OCULAR SIGNS. Identifiers: MedGen CN031884, MONDO:0008654, OMIM 193003.

Submissions (2):

CeGaT Center for Human Genetics Tuebingen
Classification: Pathogenic. Last evaluated: 2022-11-01. Review status: criteria provided, single submitter. Criteria: CeGaT Center For Human Genetics Tuebingen Variant Classification Criteria Version 2. Collection method: clinical testing. Allele origin: germline. Affected: yes. Observed: 2 variant alleles.
Comment: FGF14: PP1:Strong, PVS1:Strong, PM2, PS4:Moderate

OMIM
Classification: Pathogenic for SPINOCEREBELLAR ATAXIA 27A. Last evaluated: 2022-12-23. Review status: no assertion criteria provided. Collection method: literature only. Allele origin: germline. Not counted in ClinVar's aggregate classification.

Literature cited by the submitters: PubMed 32162847 (cited by OMIM).

NM_004115.4(FGF14):c.439G>T (p.Glu147Ter)

Gene: FGF14 (fibroblast growth factor 14; minus strand). Cytogenetic location: 13q33.1.
Variant type: single nucleotide variant.
Coding change: c.439G>T on transcript NM_004115.4 (MANE Select); coding-DNA position 439, G replaced by T.
Protein change: p.Glu147Ter; replaces glutamic acid 147 with a stop codon.
Molecular consequence: nonsense.
Genome position (GRCh38, 1-based): chr13:101,726,780, C>A on the plus strand (G>T on the coding strand, the complement: FGF14 is on the minus strand). VCF-style: chr13-101726780-C-A. GRCh37 (hg19) VCF-style: chr13-102379130-C-A.
Other names: c.250G>T, p.Glu84Ter (NM_001321936.1, NM_001321944.1, NM_001321932.1); c.259G>T, p.Glu87Ter (NM_001321938.2, NM_001321940.1, NM_001321933.1); c.343G>T, p.Glu115Ter (NM_001321939.2); c.253G>T, p.Glu85Ter (NM_001321941.2); c.187G>T, p.Glu63Ter (NM_001321942.1, NM_001321943.1, NM_001321946.2 and 4 more transcripts); c.337G>T, p.Glu113Ter (NM_001321945.2, NM_001321948.2, NM_001379342.1); c.298G>T, p.Glu100Ter (NM_001321947.2); c.454G>T, p.Glu152Ter (NM_175929.3); short protein forms E100*, E113*, E115*, E147*, E152*, E63*, E84*, E85*.
Identifiers: ClinVar variation 1694709 (VCV001694709.32), dbSNP rs865878627, ClinGen allele CA388711366.